The following is an entry in ClinVar:

ClinVar aggregate classification (germline): Uncertain significance (1 of 4 stars; one submission).

Conditions:
Rhabdoid tumor predisposition syndrome 1 (RTPS1). Also called: Familial Posterior Fossa Brain Tumor of Infancy. Identifiers: Orphanet 231108, Orphanet 69077, MedGen C1836327, MONDO:0012252, OMIM 609322.
Schwannomatosis (SWNTS1). Identifiers: Orphanet 93921, MedGen C1335929, MeSH C536641, MONDO:0008075.

Submission:

Labcorp Genetics (formerly Invitae), Labcorp
Classification: Uncertain significance for Rhabdoid tumor predisposition syndrome 1; Schwannomatosis. Last evaluated: 2016-07-20. Review status: criteria provided, single submitter. Criteria: Invitae Variant Classification Sherloc (09022015). Collection method: clinical testing. Allele origin: germline.
Comment: A gross duplication of the genomic region encompassing the full coding sequence of the SMARCB1 gene has been identified. The boundaries of this event are unknown as the duplication extends beyond the assayed region for this gene and therefore may encompass additional genes. As the precise location of this duplication is unknown, it may be in tandem or it may be located elsewhere in the genome. Duplication of the entire SMARCB1 gene has not been reported in the literature. The impact of this duplication on SMARCB1 protein function and related disease is unknown. Therefore, this variant has been classified as a Variant of Uncertain Significance.

NM_003073.4(SMARCB1):c.-207-?_*338dup1703

Genes: DERL3 (derlin 3; minus strand), SMARCB1 (SWI/SNF related BAF chromatin remodeling complex subunit B1; plus strand). Cytogenetic location: 22q11.23.
Variant type: Duplication.
Coding change: c.-207-?_*338dup1703 on transcript NM_003073.4.
Other names: c.-207-?_*338+?dup (LRG_520t1).
Identifiers: ClinVar variation 239480 (VCV000239480.1).